The following is an entry in ClinVar:

ClinVar aggregate classification (germline): Uncertain significance (1 of 4 stars; one submission).

Conditions:
Neuroblastoma, susceptibility to, 3. Also called: ALK-Related Neuroblastic Tumor Susceptibility. Identifiers: Orphanet 635, MedGen C2751681, MONDO:0013083, OMIM 613014.

Submission:

Labcorp Genetics (formerly Invitae), Labcorp
Classification: Uncertain significance for Neuroblastoma, susceptibility to, 3. Last evaluated: 2024-10-28. Review status: criteria provided, single submitter. Criteria: Invitae Variant Classification Sherloc (09022015). Collection method: clinical testing. Allele origin: germline.
Comment: This sequence change inserts a large fragment of DNA, likely a transposable element, in exon 9 of the ALK gene (c.1679_1680ins?), causing a frameshift at codon 560 (p.Leu560fs). The exact size and sequence of the insertion cannot be determined by the current assay. However, the insertion is expected to result in an absent or disrupted protein product. This variant is not present in population databases (gnomAD no frequency). This variant has not been reported in the literature in individuals affected with ALK-related conditions. Retrotransposon insertions including LINE1 (L1), Alu, and SVA (SINE-VNTR-Alu) have been reported to disrupt protein function (PMID: 19763152, 20307669, 22406018). However the effect of this particular variant is unknown. In summary, the available evidence is currently insufficient to determine the role of this variant in disease. Therefore, it has been classified as a Variant of Uncertain Significance.

Literature cited by the submitters: PubMed 19763152; PubMed 20307669; PubMed 22406018.

NM_004304.5(ALK):c.1679_1680insTTTTTTTTTTTTTTTTTTTTNNNNNNNNNNCCTGACCTCATGATCCACCCGCCTCGGCCTCCCAAAGTGCTGGGATTACAGGCGTGAGCCACCGCGCCCGGCCATTCGTGGAGTCTT (p.Leu560delinsPhePhePhePhePhePhePheXaaXaaXaaXaaLeuThrSerTer)

Gene: ALK (ALK receptor tyrosine kinase; minus strand). Cytogenetic location: 2p23.2.
Variant type: Insertion.
Coding change: c.1679_1680insTTTTTTTTTTTTTTTTTTTTNNNNNNNNNNCCTGACCTCATGATCCACCCGCCTCGGCCTCCCAAAGTGCTGGGATTACAGGCGTGAGCCACCGCGCCCGGCCATTCGTGGAGTCTT on transcript NM_004304.5 (MANE Select); coding-DNA positions 1679 to 1680, TTTTTTTTTTTTTTTTTTTTNNNNNNNNNNCCTGACCTCATGATCCACCCGCCTCGGCCTCCCAAAGTGCTGGGATTACAGGCGTGAGCCACCGCGCCCGGCCATTCGTGGAGTCTT inserted.
Protein change: p.Leu560delinsPhePhePhePhePhePhePheXaaXaaXaaXaaLeuThrSerTer.
Molecular consequence: nonsense.
Genome position: GRCh38: chr2:29,297,040-29,297,041. GRCh37 (hg19): chr2:29,519,906-29,519,907.
Identifiers: ClinVar variation 3723936 (VCV003723936.2).